The following is an entry in ClinVar:

ClinVar aggregate classification (germline): Uncertain significance (1 of 4 stars; one submission).

Conditions:
Microphthalmia with brain and digit anomalies (MCOPS6). Also called: MICROPHTHALMIA AND PITUITARY ANOMALIES; Microphthalmia, syndromic 6. Identifiers: Orphanet 139471, MedGen C1864689, MONDO:0011936, OMIM 607932.

Submission:

MVZ Medizinische Genetik Mainz
Classification: Uncertain significance for Microphthalmia with brain and digit anomalies. Last evaluated: 2026-09-08. Review status: criteria provided, single submitter. Criteria: UK Practice Guidelines For Variant Classification V4 01 2020. Collection method: clinical testing. Allele origin: germline. Inheritance: Autosomal dominant inheritance. Affected: yes. Observed: 1 variant allele.
Comment: ACMG Criteria: PM2_SUP,PP3

NM_001202.6(BMP4):c.-8+4A>G

Gene: BMP4 (bone morphogenetic protein 4; minus strand). Cytogenetic location: 14q22.2.
Variant type: single nucleotide variant.
Coding change: c.-8+4A>G on transcript NM_001202.6 (MANE Select); 4 bases into the intron after 8 bases upstream of the start codon, A replaced by G.
Molecular consequence: intron variant.
Genome position (GRCh38, 1-based): chr14:53,953,272, T>C on the plus strand (A>G on the coding strand, the complement: BMP4 is on the minus strand). VCF-style: chr14-53953272-T-C. GRCh37 (hg19) VCF-style: chr14-54419990-T-C.
Other names: c.187+4A>G (NM_001347912.1); c.-8+4A>G (NM_130850.5, NM_001347916.1, NM_130851.4 and 1 more transcripts); c.-144+4A>G (NM_001347913.2, NM_001347917.1, NM_001347915.2).
Identifiers: ClinVar variation 5010171 (VCV005010171.1).